The following is an entry in ClinVar:

NM_001792.5(CDH2):c.1903G>A (p.Gly635Arg)

Gene: CDH2 (cadherin 2; minus strand). Cytogenetic location: 18q12.1.
Variant type: single nucleotide variant.
Coding change: c.1903G>A on transcript NM_001792.5 (MANE Select); coding-DNA position 1903, G replaced by A.
Protein change: p.Gly635Arg; replaces glycine 635 with arginine.
Molecular consequence: missense variant.
Genome position (GRCh38, 1-based): chr18:27,985,600, C>T on the plus strand (G>A on the coding strand, the complement: CDH2 is on the minus strand). VCF-style: chr18-27985600-C-T. GRCh37 (hg19) VCF-style: chr18-25565564-C-T.
Other names: c.1810G>A, p.Gly604Arg (NM_001308176.2); short protein forms G635R, G604R.
Identifiers: ClinVar variation 2888576 (VCV002888576.3), dbSNP rs1345401959, ClinGen allele CA402107313.
Genomic context (GRCh38, chr18:27,985,600, plus strand): 5'-TGATGGTCCAATTTCTCTTAATAGTCACTGGAGATAAAGGAAGATCAAAAGCAAATGGTC[C>T]AGCATTTGGATCAATGTCATAATCAAGTGCTGTAATATTAATTGAATTGGGGTCTGGAGT-3'
Protein context (NP_001783.2, residues 625-645): ALDYDIDPNA[Gly635Arg]PFAFDLPLSP

ClinVar aggregate classification (germline): Uncertain significance (1 of 4 stars; one submission).

Allele frequency attached by ClinVar (database versions not stated): gnomAD exomes below 0.00001.
gnomAD v4.1: 4 of 1,613,920 alleles (0.00025%); highest among the groups gnomAD compares: Non-Finnish European, 0.00034%; no homozygotes.

Submission:

Labcorp Genetics (formerly Invitae), Labcorp
Classification: Uncertain significance. Last evaluated: 2024-04-12. Review status: criteria provided, single submitter. Criteria: Invitae Variant Classification Sherloc (09022015). Collection method: clinical testing. Allele origin: germline.
Comment: This sequence change replaces glycine, which is neutral and non-polar, with arginine, which is basic and polar, at codon 635 of the CDH2 protein (p.Gly635Arg). This variant is present in population databases (no rsID available, gnomAD 0.0009%). This variant has not been reported in the literature in individuals affected with CDH2-related conditions. An algorithm developed to predict the effect of missense changes on protein structure and function (PolyPhen-2) suggests that this variant is likely to be disruptive. In summary, the available evidence is currently insufficient to determine the role of this variant in disease. Therefore, it has been classified as a Variant of Uncertain Significance.